The following is an entry in ClinVar:

ClinVar aggregate classification (germline): Uncertain significance (1 of 4 stars; one submission).

Conditions:
Genitopatellar syndrome (GTPTS). Also called: Genitopatellar syndrome (GPS); ABSENT PATELLAE, SCROTAL HYPOPLASIA, RENAL ANOMALIES, FACIAL DYSMORPHISM, AND MENTAL RETARDATION. Identifiers: Orphanet 85201, MedGen C1853566, MONDO:0011640, OMIM 606170.

Submission:

Labcorp Genetics (formerly Invitae), Labcorp
Classification: Uncertain significance for Genitopatellar syndrome. Last evaluated: 2022-09-04. Review status: criteria provided, single submitter. Criteria: Invitae Variant Classification Sherloc (09022015). Collection method: clinical testing. Allele origin: germline.
Comment: This variant has not been reported in the literature in individuals affected with KAT6B-related conditions. In summary, the available evidence is currently insufficient to determine the role of this variant in disease. Therefore, it has been classified as a Variant of Uncertain Significance. Algorithms developed to predict the effect of missense changes on protein structure and function (SIFT, PolyPhen-2, Align-GVGD) all suggest that this variant is likely to be tolerated. This variant is not present in population databases (gnomAD no frequency). This sequence change replaces histidine, which is basic and polar, with proline, which is neutral and non-polar, at codon 586 of the KAT6B protein (p.His586Pro).

NM_012330.4(KAT6B):c.1757A>C (p.His586Pro)

Gene: KAT6B (lysine acetyltransferase 6B; plus strand). Cytogenetic location: 10q22.2.
Variant type: single nucleotide variant.
Coding change: c.1757A>C on transcript NM_012330.4 (MANE Select); coding-DNA position 1757, A replaced by C.
Protein change: p.His586Pro; replaces histidine 586 with proline.
Molecular consequence: missense variant. On other transcripts: intron variant (13).
Genome position (GRCh38, 1-based): chr10:74,976,094, A>C. VCF-style: chr10-74976094-A-C. GRCh37 (hg19) VCF-style: chr10-76735852-A-C.
Other names: c.1757A>C, p.His586Pro (NM_001370136.1, NM_001370137.1); c.1117+640A>C (NM_001370139.1, NM_001370140.1, NM_001370141.1 and 3 more transcripts); c.1444+313A>C (NM_001370138.1, NM_001256468.2); c.846+6319A>C (NM_001370133.1); c.193-3130A>C (NM_001370134.1); c.929-1222A>C (NM_001370143.1, NM_001370144.1); c.193-12925A>C (NM_001370135.1); short protein forms H586P.
Identifiers: ClinVar variation 1716164 (VCV001716164.6), dbSNP rs1280436884, ClinGen allele CA377288124.